The following is an entry in ClinVar:

NM_001371623.1(TCOF1):c.870+1G>A

Gene: TCOF1 (treacle ribosome biogenesis factor 1; plus strand). Cytogenetic location: 5q32.
Variant type: single nucleotide variant.
Coding change: c.870+1G>A on transcript NM_001371623.1 (MANE Select); the canonical splice donor site of the intron after coding-DNA position 870, G replaced by A.
Molecular consequence: splice donor variant. On other transcripts: intron variant (2).
Genome position (GRCh38, 1-based): chr5:150,372,237, G>A. VCF-style: chr5-150372237-G-A. GRCh37 (hg19) VCF-style: chr5-149751800-G-A.
Other names: c.870+1G>A (NM_001135243.2, NM_001135244.2, NM_001195141.2 and 1 more transcripts); c.640-1937G>A (NM_001135245.2, NM_000356.4).
Identifiers: ClinVar variation 3254554 (VCV003254554.2), dbSNP rs1284788554.

ClinVar aggregate classification (germline): Uncertain significance. Review status: criteria provided, multiple submitters, no conflicts (2 of 4 stars). 2 submissions from 2 submitters: Uncertain significance (2). Last evaluated 2026-03-20.

Conditions:
Treacher Collins syndrome 1 (TCS1). Also called: TCOF1-Related Treacher Collins Syndrome. Identifiers: Orphanet 861, MedGen CN315775, MONDO:0007944, OMIM 154500.

Allele frequency attached by ClinVar (database versions not stated): gnomAD exomes below 0.00001.

Submissions (2):

GeneDx
Classification: Uncertain significance. Last evaluated: 2026-03-20. Review status: criteria provided, single submitter. Criteria: GeneDx Variant Classification Process June 2021. Collection method: clinical testing. Allele origin: germline.
Comment: Canonical splice site variant predicted to result in an in-frame loss of the adjacent exon in a gene for which loss of function is a known mechanism of disease; Has not been previously published as pathogenic or benign to our knowledge

Victorian Clinical Genetics Services, Murdoch Childrens Research Institute
Classification: Uncertain significance for Treacher Collins syndrome 1. Last evaluated: 2022-06-24. Review status: criteria provided, single submitter. Criteria: ACMG Guidelines, 2015. Collection method: clinical testing. Allele origin: germline. Inheritance: Autosomal dominant inheritance.
Comment: Based on the classification scheme VCGS_Germline_v1.3.4, this variant is classified as VUS-3A. Following criteria are met: 0102 - Loss of function is a known mechanism of disease in this gene and is associated with Treacher Collins syndrome 1 (MIM#154500). (I) 0107 - This gene is associated with autosomal dominant disease. (I) 0112 - The condition associated with this gene has incomplete penetrance. While penetrance for Treacher Collins syndrome 1 (MIM#154500) is high, reduced penetrance has been reported for the TCOF1 gene (PMID: 20301704). (I) 0115 - Variants in this gene are known to have variable expressivity. Significant interfamilial and intrafamilial variability have been reported (PMID: 20301704). (I) 0211 - Canonical splice site variant without proven consequence on splicing (no functional evidence available). (SP) 0251 - This variant is heterozygous. (I) 0301 - Variant is absent from gnomAD (both v2 and v3). (SP) 0505 - Abnormal splicing is predicted by in silico tools and affected nucleotide is highly conserved. (SP) 0705 - No comparable splice region variants have previous evidence for pathogenicity. (I) 0807 - This variant has no previous evidence of pathogenicity. (I) 0905 - No published segregation evidence has been identified for this variant. (I) 1007 - No published functional evidence has been identified for this variant. (I) 1208 - Inheritance information for this variant is not currently available in this individual. (I) Legend: (SP) - Supporting pathogenic, (I) - Information, (SB) - Supporting benign

Literature cited by the submitters: PubMed 20301704 (cited by Victorian Clinical Genetics Services, Murdoch Childrens Research Institute).